The following is an entry in ClinVar:

ClinVar aggregate classification (germline): Likely benign (1 of 4 stars; one submission).

Submission:

CeGaT Center for Human Genetics Tuebingen
Classification: Likely benign. Last evaluated: 2026-08-01. Review status: criteria provided, single submitter. Criteria: CeGaT Center For Human Genetics Tuebingen Variant Classification Criteria Version 2. Collection method: clinical testing. Allele origin: germline. Affected: yes. Observed: 1 variant allele.
Comment: TTN: PM2:Supporting, BP4, BP7

NM_001267550.2(TTN):c.106503G>T (p.Val35501=)

Genes: TTN (titin; minus strand), TTN-AS1 (TTN antisense RNA 1; plus strand). Cytogenetic location: 2q31.2.
Variant type: single nucleotide variant.
Coding change: c.106503G>T on transcript NM_001267550.2 (MANE Select); coding-DNA position 106503, G replaced by T.
Protein change: p.Val35501=; no amino-acid change (valine 35501 retained).
Molecular consequence: synonymous variant.
Genome position (GRCh38, 1-based): chr2:178,529,988, C>A on the plus strand (G>T on the coding strand, the complement: TTN is on the minus strand). VCF-style: chr2-178529988-C-A. GRCh37 (hg19) VCF-style: chr2-179394715-C-A.
Other names: c.101580G>T, p.Val33860= (NM_001256850.1); c.79308G>T, p.Val26436= (NM_003319.4); c.98799G>T, p.Val32933= (NM_133378.4); c.79683G>T, p.Val26561= (NM_133432.3); c.79884G>T, p.Val26628= (NM_133437.4).
Identifiers: ClinVar variation 5039895 (VCV005039895.1).